The following is an entry in ClinVar:

NM_194454.3(KRIT1):c.1959_1960del (p.His653fs)

Gene: KRIT1 (KRIT1 ankyrin repeat containing; minus strand). Cytogenetic location: 7q21.2.
Variant type: Deletion.
Coding change: c.1959_1960del on transcript NM_194454.3 (MANE Select); coding-DNA positions 1959 to 1960, 2 bases deleted (TA; older notation c.1959_1960delTA).
Protein change: p.His653fs; shifts the reading frame from histidine 653.
Molecular consequence: frameshift variant.
Genome position (GRCh38, 1-based): chr7:92,213,260-92,213,261, TA deleted on the plus strand (TA on the coding strand, the reverse complement: KRIT1 is on the minus strand); deleting any 2 consecutive bases within chr7:92,213,260-92,213,262 gives the same sequence; the c. name uses the placement nearest the transcript's 3' end. VCF-style (leftmost placement, unchanged base first): chr7-92213259-TTA-T. GRCh37 (hg19) VCF-style: chr7-91842573-TTA-T.
Other names: c.1815_1816del, p.His605fs (NM_001013406.2, NM_001350669.1, NM_001350670.1); c.1245_1246del, p.His415fs (NM_001350671.1); c.1959_1960del, p.His653fs (NM_001350672.1, NM_001350673.1, NM_001350674.1 and 26 more transcripts); c.1959_1960delTA (NM_194456.1); short protein forms H415fs, H605fs, H653fs.
Identifiers: ClinVar variation 418657 (VCV000418657.8), dbSNP rs1064793348, ClinGen allele CA16618570.
Genomic context (GRCh38, chr7:92,213,259, plus strand): 5'-GTTTCCATGTTGAGGAGATGAAGTCCTTTTATATTCACTCCTACATACACAGGGATGACT[TTA>T]TGATTGCTGGGGCTTGCCTTTGTAAATATCTGTCCTGTGAAAAATGCTGCTCCATAAGTA-3'

ClinVar aggregate classification (germline): Pathogenic. Review status: criteria provided, multiple submitters, no conflicts (2 of 4 stars). 2 submissions from 2 submitters: Pathogenic (2). Last evaluated 2022-02-11.

Conditions:
Cerebral cavernous malformation (CCM). Also called: CAVERNOUS ANGIOMA, FAMILIAL; CAVERNOUS ANGIOMATOUS MALFORMATIONS; CEREBRAL CAPILLARY MALFORMATIONS; Cerebral cavernous hemangioma (type); Cavernous Hemangioma of Brain; Cerebral cavernous malformations. Identifiers: Orphanet 221061, MedGen C2919945, MONDO:0000820, OMIM 116860, HP:0033522.

Submissions (2):

Labcorp Genetics (formerly Invitae), Labcorp
Classification: Pathogenic for Cerebral cavernous malformation. Last evaluated: 2022-02-11. Review status: criteria provided, single submitter. Criteria: Invitae Variant Classification Sherloc (09022015). Collection method: clinical testing. Allele origin: germline.
Comment: This variant is not present in population databases (gnomAD no frequency). This sequence change creates a premature translational stop signal (p.His653Glnfs*22) in the KRIT1 gene. It is expected to result in an absent or disrupted protein product. Loss-of-function variants in KRIT1 are known to be pathogenic (PMID: 10508515, 11222804, 12404106, 24689081). For these reasons, this variant has been classified as Pathogenic. This variant has not been reported in the literature in individuals affected with KRIT1-related conditions. ClinVar contains an entry for this variant (Variation ID: 418657).

GeneDx
Classification: Pathogenic. Last evaluated: 2016-04-01. Review status: criteria provided, single submitter. Criteria: GeneDx Variant Classification (06012015). Collection method: clinical testing. Allele origin: germline. Affected: yes.
Comment: The c.1959_1960delTA pathogenic variant is predicted to cause loss of normal protein function either through protein truncation or nonsense-mediated mRNA decay. The c.1959_1960delTA variant was not observed in approximately 6,500individuals of European and African American ancestry in the NHLBI Exome Sequencing Project,indicating it is not a common benign variant in these populations. Although it has not been previouslyreported to our knowledge, we interpret c.1959_1960delTA as a pathogenic variant.

Literature cited by the submitters: PubMed 10508515 (cited by Labcorp Genetics (formerly Invitae), Labcorp); PubMed 11222804 (cited by Labcorp Genetics (formerly Invitae), Labcorp); PubMed 12404106 (cited by Labcorp Genetics (formerly Invitae), Labcorp); PubMed 24689081 (cited by Labcorp Genetics (formerly Invitae), Labcorp).